The following is an entry in ClinVar:

NM_016932.5(SIX2):c.-8C>T

Gene: SIX2 (SIX homeobox 2; minus strand). Cytogenetic location: 2p21.
Variant type: single nucleotide variant.
Coding change: c.-8C>T on transcript NM_016932.5 (MANE Select); 8 bases upstream of the start codon, C replaced by T.
Molecular consequence: 5 prime UTR variant.
Genome position (GRCh38, 1-based): chr2:45,009,118, G>A on the plus strand (C>T on the coding strand, the complement: SIX2 is on the minus strand). VCF-style: chr2-45009118-G-A. GRCh37 (hg19) VCF-style: chr2-45236257-G-A.
Identifiers: ClinVar variation 3038212 (VCV003038212.2), dbSNP rs755177564, ClinGen allele CA1642646.

ClinVar aggregate classification (germline): Likely benign (0 of 4 stars; one submission).

Conditions:
SIX2-related disorder. Also called: SIX2-related condition.

Allele frequency attached by ClinVar (database versions not stated): gnomAD exomes below 0.00001; TOPMed below 0.00001; ExAC 0.00004.
gnomAD v4.1: 2 of 1,550,196 alleles (0.00013%); highest among the groups gnomAD compares: Admixed American, 0.0038%; no homozygotes.

Submission:

PreventionGenetics, part of Exact Sciences
Classification: Likely benign for SIX2-related condition. Last evaluated: 2021-06-15. Review status: no assertion criteria provided. Collection method: clinical testing. Allele origin: germline.
Comment: This variant is classified as likely benign based on ACMG/AMP sequence variant interpretation guidelines (Richards et al. 2015 PMID: 25741868, with internal and published modifications).